The following is an entry in ClinVar:

NM_032575.3(GLIS2):c.344C>T (p.Ser115Leu)

Gene: GLIS2 (GLIS family zinc finger 2; plus strand). Cytogenetic location: 16p13.3.
Variant type: single nucleotide variant.
Coding change: c.344C>T on transcript NM_032575.3 (MANE Select); coding-DNA position 344, C replaced by T.
Protein change: p.Ser115Leu; replaces serine 115 with leucine.
Molecular consequence: missense variant.
Genome position (GRCh38, 1-based): chr16:4,333,518, C>T. VCF-style: chr16-4333518-C-T. GRCh37 (hg19) VCF-style: chr16-4383519-C-T.
Other names: c.344C>T, p.Ser115Leu (NM_001318918.2); short protein forms S115L.
Identifiers: ClinVar variation 319211 (VCV000319211.9), dbSNP rs771450245, ClinGen allele CA7872968.

ClinVar aggregate classification (germline): Uncertain significance. Review status: criteria provided, multiple submitters, no conflicts (2 of 4 stars). 4 submissions from 4 submitters: Uncertain significance (4). Last evaluated 2026-02-01.

Conditions:
Nephronophthisis. Also called: Juvenile Nephronophthisis. Identifiers: Orphanet 655, MedGen C0687120, MONDO:0019005, HP:0000090.
Nephronophthisis 7 (NPHP7). Identifiers: Orphanet 655, MedGen C1969092, MONDO:0012680, OMIM 611498.

Allele frequency attached by ClinVar (database versions not stated): gnomAD 0.00001 and 0.00003; TOPMed 0.00001; gnomAD exomes 0.00008 and 0.00015; ExAC 0.00011.

Submissions (4):

Labcorp Genetics (formerly Invitae), Labcorp
Classification: Uncertain significance for Nephronophthisis. Last evaluated: 2026-02-01. Review status: criteria provided, single submitter. Criteria: Invitae Variant Classification Sherloc (09022015). Collection method: clinical testing. Allele origin: germline.
Comment: This sequence change replaces serine, which is neutral and polar, with leucine, which is neutral and non-polar, at codon 115 of the GLIS2 protein (p.Ser115Leu). This variant is present in population databases (rs771450245, gnomAD 0.1%). This variant has not been reported in the literature in individuals affected with GLIS2-related conditions. ClinVar contains an entry for this variant (Variation ID: 319211). An algorithm developed to predict the effect of missense changes on protein structure and function (PolyPhen-2) suggests that this variant is likely to be tolerated. In summary, the available evidence is currently insufficient to determine the role of this variant in disease. Therefore, it has been classified as a Variant of Uncertain Significance.

Ambry Genetics
Classification: Uncertain significance. Last evaluated: 2025-11-11. Review status: criteria provided, single submitter. Criteria: Ambry Variant Classification Scheme 2023. Collection method: clinical testing. Allele origin: germline.

Revvity Omics, Revvity
Classification: Uncertain significance for Nephronophthisis 7. Last evaluated: 2019-01-11. Review status: criteria provided, single submitter. Criteria: ACMG Guidelines, 2015. Collection method: clinical testing. Allele origin: germline.

Illumina Laboratory Services, Illumina
Classification: Uncertain significance for Nephronophthisis 7. Last evaluated: 2018-01-13. Review status: criteria provided, single submitter. Criteria: ICSL Variant Classification Criteria 13 December 2019. Collection method: clinical testing. Allele origin: germline.